The following is an entry in ClinVar:

NC_000005.9:g.(?_37224614)_(37371079_?)dup

Genes: CPLANE1 (ciliogenesis and planar polarity effector complex subunit 1; minus strand), NUP155 (nucleoporin 155; minus strand). Cytogenetic location: 5p13.2.
Variant type: Duplication.
Identifiers: ClinVar variation 2426789 (VCV002426789.4).

ClinVar aggregate classification (germline): Uncertain significance (1 of 4 stars; one submission).

Submission:

Labcorp Genetics (formerly Invitae), Labcorp
Classification: Uncertain significance. Last evaluated: 2022-03-27. Review status: criteria provided, single submitter. Criteria: Invitae Variant Classification Sherloc (09022015). Collection method: clinical testing. Allele origin: germline.
Comment: In summary, the available evidence is currently insufficient to determine the role of this variant in disease. Therefore, it has been classified as a Variant of Uncertain Significance. This variant has not been reported in the literature in individuals affected with CPLANE1-related conditions. This variant results in a copy number gain of the genomic region encompassing exon(s) 1-13 of the CPLANE1 gene. This region includes the initiator codon of the gene. This copy number gain extends beyond the assayed region for this gene and therefore may encompass additional genes. As the precise location of this event is unknown, it may be in tandem or it may be located elsewhere in the genome.